The following is an entry in ClinVar:

NM_007373.4(SHOC2):c.1703T>C (p.Ile568Thr)

Gene: SHOC2 (SHOC2 leucine rich repeat scaffold protein; plus strand). Cytogenetic location: 10q25.2.
Variant type: single nucleotide variant.
Coding change: c.1703T>C on transcript NM_007373.4 (MANE Select); coding-DNA position 1703, T replaced by C.
Protein change: p.Ile568Thr; replaces isoleucine 568 with threonine.
Molecular consequence: missense variant. On other transcripts: non-coding transcript variant (1).
Genome position (GRCh38, 1-based): chr10:111,011,772, T>C. VCF-style: chr10-111011772-T-C. GRCh37 (hg19) VCF-style: chr10-112771530-T-C.
Other names: c.1565T>C, p.Ile522Thr (NM_001269039.3); c.1703T>C, p.Ile568Thr (NM_001324336.2, NM_001324337.2); short protein forms I522T, I568T.
Identifiers: ClinVar variation 1959541 (VCV001959541.5), dbSNP rs151003571, ClinGen allele CA5689830.
Genomic context (GRCh38, chr10:111,011,772, plus strand): 5'-TTGAGAACTGTCCACTCAGTCACCTTCCACCTCAGATTGTTGCTGGGGGGCCTTCTTTCA[T>C]CATTCAGTTCTTAAAGATGCAGGGTCCATATCGTGCCATGGTCTGATATAAATCTGCTGG-3'
Protein context (NP_031399.2, residues 558-578): PQIVAGGPSF[Ile568Thr]IQFLKMQGPY

ClinVar aggregate classification (germline): Uncertain significance (1 of 4 stars; one submission).

Conditions:
RASopathy. Also called: Noonan spectrum disorder; rasopathies. Identifiers: Orphanet 536391, MedGen C5555857, MONDO:0021060.

Allele frequency attached by ClinVar (database versions not stated): gnomAD exomes 0.00001; ExAC 0.00002; ESP Exome Variant Server 0.00008.
gnomAD v4.1: 4 of 1,614,024 alleles (0.00025%); highest among the groups gnomAD compares: Non-Finnish European, 0.00034%; no homozygotes.

Submission:

Labcorp Genetics (formerly Invitae), Labcorp
Classification: Uncertain significance for RASopathy. Last evaluated: 2022-05-21. Review status: criteria provided, single submitter. Criteria: Invitae Variant Classification Sherloc (09022015). Collection method: clinical testing. Allele origin: germline.
Comment: In summary, the available evidence is currently insufficient to determine the role of this variant in disease. Therefore, it has been classified as a Variant of Uncertain Significance. Algorithms developed to predict the effect of missense changes on protein structure and function are either unavailable or do not agree on the potential impact of this missense change (SIFT: "Deleterious"; PolyPhen-2: "Possibly Damaging"; Align-GVGD: "Class C0"). This variant has not been reported in the literature in individuals affected with SHOC2-related conditions. This variant is present in population databases (rs151003571, gnomAD 0.002%). This sequence change replaces isoleucine, which is neutral and non-polar, with threonine, which is neutral and polar, at codon 568 of the SHOC2 protein (p.Ile568Thr).